The following is an entry in ClinVar:

ClinVar aggregate classification (germline): Pathogenic. Review status: criteria provided, multiple submitters, no conflicts (2 of 4 stars). 2 submissions from 2 submitters: Pathogenic (2). Last evaluated 2026-03-17.

Conditions:
Hereditary cancer-predisposing syndrome. Also called: Neoplastic Syndromes, Hereditary; Tumor predisposition; Hereditary neoplastic syndrome; Hereditary Cancer Syndrome. Identifiers: Orphanet 140162, MedGen C0027672, MeSH D009386, MONDO:0015356.
Birt-Hogg-Dube syndrome 1 (BHD1). Also called: FIBROFOLLICULOMAS WITH TRICHODISCOMAS AND ACROCHORDONS. Identifiers: Orphanet 122, MedGen CN375946, MONDO:0800445, OMIM 135150.

Submissions (2):

Myriad Genetics, Inc.
Classification: Pathogenic for Birt-Hogg-Dube syndrome 1. Last evaluated: 2026-03-17. Review status: criteria provided, single submitter. Criteria: Myriad Autosomal Dominant, Autosomal Recessive and X-Linked Classification Criteria (2023). Collection method: clinical testing. Allele origin: unknown.
Comment: This variant is considered pathogenic. This variant creates a frameshift predicted to result in premature protein truncation.

Ambry Genetics
Classification: Pathogenic for Hereditary cancer-predisposing syndrome. Last evaluated: 2024-12-04. Review status: criteria provided, single submitter. Criteria: Ambry Variant Classification Scheme 2023. Collection method: clinical testing. Allele origin: germline.
Comment: The c.573_574delGAinsT variant, located in coding exon 3 of the FLCN gene, results from the deletion of two nucleotides and insertion of one nucleotide causing a translational frameshift with a predicted alternate stop codon (p.K192Rfs*31). This alteration is expected to result in loss of function by premature protein truncation or nonsense-mediated mRNA decay. In silico splice site analysis predicts that this alteration will result in the creation or strengthening of a novel splice donor site. RNA studies have demonstrated that this alteration results in abnormal splicing that also results in an alternative stop codon in the set of samples tested (Ambry internal data). As such, this alteration is interpreted as a disease-causing mutation.

NM_144997.7(FLCN):c.573_574delinsT (p.Lys192fs)

Gene: FLCN (folliculin; minus strand). Cytogenetic location: 17p11.2.
Variant type: Indel.
Coding change: c.573_574delinsT on transcript NM_144997.7 (MANE Select); coding-DNA positions 573 to 574, GA replaced by T.
Protein change: p.Lys192fs; shifts the reading frame from lysine 192.
Molecular consequence: frameshift variant.
Genome position (GRCh38, 1-based): chr17:17,223,966-17,223,967, TC replaced by A on the plus strand (GA replaced by T on the coding strand, the reverse complement: FLCN is on the minus strand). VCF-style: chr17-17223966-TC-A. GRCh37 (hg19) VCF-style: chr17-17127280-TC-A.
Other names: c.627_628delinsT, p.Lys210fs (NM_001353229.2); c.573_574delinsT, p.Lys192fs (NM_001353230.2, NM_001353231.2, NM_144606.7); short protein forms K210fs, K192fs.
Identifiers: ClinVar variation 3515673 (VCV003515673.2).
Genomic context (GRCh38, chr17:17,223,966, plus strand): 5'-TCATCTCTGAATTCACCTTGAGCGCCTTGCCCTGGAGCTCATCGATGATTCCCCGGACCT[TC>A]CCCAGCAGGAAGGGCCAGGAGTTGATGAGGTAGATCCGGTCCATCATGATGGTGATGATG-3'